The following is an entry in ClinVar:

NM_001130009.3(GEN1):c.1791T>G (p.Asn597Lys)

Gene: GEN1 (GEN1 Holliday junction 5' flap endonuclease; plus strand). Cytogenetic location: 2p24.2.
Variant type: single nucleotide variant.
Coding change: c.1791T>G on transcript NM_001130009.3 (MANE Select); coding-DNA position 1791, T replaced by G.
Protein change: p.Asn597Lys; replaces asparagine 597 with lysine.
Molecular consequence: missense variant.
Genome position (GRCh38, 1-based): chr2:17,781,003, T>G. VCF-style: chr2-17781003-T-G. GRCh37 (hg19) VCF-style: chr2-17962270-T-G.
Other names: c.1791T>G, p.Asn597Lys (NM_182625.5); short protein forms N597K.
Identifiers: ClinVar variation 4263124 (VCV004263124.1).

ClinVar aggregate classification (germline): Uncertain significance (1 of 4 stars; one submission).

Submission:

Ambry Genetics
Classification: Uncertain significance. Last evaluated: 2025-09-04. Review status: criteria provided, single submitter. Criteria: Ambry Variant Classification Scheme 2023. Collection method: clinical testing. Allele origin: germline.
Comment: The p.N597K variant (also known as c.1791T>G), located in coding exon 13 of the GEN1 gene, results from a T to G substitution at nucleotide position 1791. The asparagine at codon 597 is replaced by lysine, an amino acid with similar properties. This amino acid position is conserved. In addition, this alteration is predicted to be tolerated by in silico analysis. Based on the available evidence, the clinical significance of this variant remains unclear.